The following is an entry in ClinVar:

ClinVar aggregate classification (germline): Pathogenic. Review status: criteria provided, single submitter (1 of 4 stars). 2 submissions from 2 submitters: Pathogenic (1). 1 of the submissions does not count toward it. Last evaluated 2025-10-05.

Conditions:
Charcot-Marie-Tooth disease. Also called: Charcot-Marie-Tooth Hereditary Neuropathy; Charcot-Marie-Tooth Neuropathy. Identifiers: Orphanet 166, MedGen C0007959, MONDO:0015626.
Charcot-Marie-Tooth Neuropathy X. Identifiers: MedGen CN118851.

Allele frequency attached by ClinVar (database versions not stated): gnomAD exomes below 0.00001.
gnomAD v4.1: 1 of 1,208,672 alleles (0.000083%); highest among the groups gnomAD compares: Non-Finnish European, 0.00011%; no homozygotes.

Submissions (2):

Labcorp Genetics (formerly Invitae), Labcorp
Classification: Pathogenic for Charcot-Marie-Tooth Neuropathy X. Last evaluated: 2025-10-05. Review status: criteria provided, single submitter. Criteria: Invitae Variant Classification Sherloc (09022015). Collection method: clinical testing. Allele origin: germline.
Comment: This sequence change replaces tyrosine, which is neutral and polar, with histidine, which is basic and polar, at codon 211 of the GJB1 protein (p.Tyr211His). This variant is not present in population databases (gnomAD no frequency). This missense change has been observed in individuals with Charcot-Marie-Tooth disease (PMID: 11140841, 17100997). It has also been observed to segregate with disease in related individuals. ClinVar contains an entry for this variant (Variation ID: 637571). Invitae Evidence Modeling of protein sequence and biophysical properties (such as structural, functional, and spatial information, amino acid conservation, physicochemical variation, residue mobility, and thermodynamic stability) has been performed for this missense variant. However, the output from this modeling did not meet the statistical confidence thresholds required to predict the impact of this variant on GJB1 protein function. This variant disrupts the p.Tyr211 amino acid residue in GJB1. Other variant(s) that disrupt this residue have been determined to be pathogenic (internal data). This suggests that this residue is clinically significant, and that variants that disrupt this residue are likely to be disease-causing. For these reasons, this variant has been classified as Pathogenic.

Inherited Neuropathy Consortium
Classification: Uncertain significance for Charcot-Marie-Tooth disease. Review status: no assertion criteria provided. Collection method: literature only. Allele origin: germline. Affected: yes. Not counted in ClinVar's aggregate classification.

Literature cited by the submitters: PubMed 11140841 (cited by Labcorp Genetics (formerly Invitae), Labcorp); PubMed 17100997 (cited by Labcorp Genetics (formerly Invitae), Labcorp and Inherited Neuropathy Consortium).

NM_000166.6(GJB1):c.631T>C (p.Tyr211His)

Gene: GJB1 (gap junction protein beta 1; plus strand). Cytogenetic location: Xq13.1.
Variant type: single nucleotide variant.
Coding change: c.631T>C on transcript NM_000166.6 (MANE Select); coding-DNA position 631, T replaced by C.
Protein change: p.Tyr211His; replaces tyrosine 211 with histidine.
Molecular consequence: missense variant.
Genome position (GRCh38, 1-based): chrX:71,224,338, T>C. VCF-style: chrX-71224338-T-C. GRCh37 (hg19) VCF-style: chrX-70444188-T-C.
Other names: c.631T>C, p.Tyr211His (NM_001097642.3); short protein forms Y211H.
Identifiers: ClinVar variation 637571 (VCV000637571.2), dbSNP rs1602349785, ClinGen allele CA413503368.